The following is an entry in ClinVar:

NM_032581.4(HYCC1):c.487A>G (p.Ser163Gly)

Gene: HYCC1 (hyccin PI4KA lipid kinase complex subunit 1; minus strand). Cytogenetic location: 7p15.3.
Variant type: single nucleotide variant.
Coding change: c.487A>G on transcript NM_032581.4 (MANE Select); coding-DNA position 487, A replaced by G.
Protein change: p.Ser163Gly; replaces serine 163 with glycine.
Molecular consequence: missense variant.
Genome position (GRCh38, 1-based): chr7:22,976,736, T>C on the plus strand (A>G on the coding strand, the complement: HYCC1 is on the minus strand). VCF-style: chr7-22976736-T-C. GRCh37 (hg19) VCF-style: chr7-23016355-T-C.
Other names: c.487A>G, p.Ser163Gly (NM_001363466.2, NM_001363467.2); short protein forms S163G.
Identifiers: ClinVar variation 2141076 (VCV002141076.4), dbSNP rs372383493, ClinGen allele CA4185999.

ClinVar aggregate classification (germline): Uncertain significance (1 of 4 stars; one submission).

Conditions:
Hypomyelination and Congenital Cataract (HLD5). Also called: hypomyelinating leukodystrophy 5. Identifiers: Orphanet 85163, MedGen C1864663, MONDO:0012514, OMIM 610532.

Allele frequency attached by ClinVar (database versions not stated): gnomAD exomes below 0.00001; ExAC 0.00002; gnomAD 0.00004; TOPMed 0.00004; ESP Exome Variant Server 0.00015.
gnomAD v4.1: 11 of 1,613,574 alleles (0.00068%); highest among the groups gnomAD compares: African/African-American, 0.013%; no homozygotes.

Submission:

Labcorp Genetics (formerly Invitae), Labcorp
Classification: Uncertain significance for Hypomyelination and Congenital Cataract. Last evaluated: 2022-02-09. Review status: criteria provided, single submitter. Criteria: Invitae Variant Classification Sherloc (09022015). Collection method: clinical testing. Allele origin: germline.
Comment: In summary, the available evidence is currently insufficient to determine the role of this variant in disease. Therefore, it has been classified as a Variant of Uncertain Significance. Algorithms developed to predict the effect of missense changes on protein structure and function are either unavailable or do not agree on the potential impact of this missense change (SIFT: "Tolerated"; PolyPhen-2: "Possibly Damaging"; Align-GVGD: "Class C0"). This variant has not been reported in the literature in individuals affected with FAM126A-related conditions. This variant is present in population databases (rs372383493, gnomAD 0.02%). This sequence change replaces serine, which is neutral and polar, with glycine, which is neutral and non-polar, at codon 163 of the FAM126A protein (p.Ser163Gly).